The following continues an entry in ClinVar:

NM_000051.4(ATM):c.6200C>A (p.Ala2067Asp)

ClinVar aggregate classification (germline): Pathogenic/Likely pathogenic. Pathogenic (13); Likely pathogenic (4).

Submissions 10 to 21 of 21:

Ambry Genetics
Classification: Pathogenic for Hereditary cancer-predisposing syndrome. Last evaluated: 2023-09-13. Review status: criteria provided, single submitter. Criteria: Ambry Variant Classification Scheme 2023. Collection method: clinical testing. Allele origin: germline.
Comment: The p.A2067D pathogenic mutation (also known as c.6200C>A), located in coding exon 42 of the ATM gene, results from a C to A substitution at nucleotide position 6200. The alanine at codon 2067 is replaced by aspartic acid, an amino acid with dissimilar properties. This alteration has been reported in two individuals/families with ataxia-telangiectasia (Sandoval N et a. Hum. Mol. Genet. 1999 Jan; 8(1):69-79; Dawson AJ et al. Am. J. Med. Genet. 2015 Aug;167A(8):1937-9). This alteration has also been shown to segregate with primary-appearing dystonia in homozygous individuals from three Canadian Mennonite families (Saunders-Pullman R et al. Neurology. 2012 Feb; 78(9):649-57). Additionally, functional assays demonstrated that this alteration results in reduced protein expression, absent autophosphorylation, and diminished transphorphylation of downstream ATM targets (Nakamura K et al. Mol Genet Genomic Med. 2014 Jul; 2(4):332-40). Based on internal structural analysis, this variant is anticipated to result in a significant decrease in structural stability (Ambry internal data). This amino acid position is well conserved in available vertebrate species. This variant is considered to be rare based on population cohorts in the Genome Aggregation Database (gnomAD). In addition, the in silico prediction for this alteration is inconclusive. Based on available evidence to date, this variant is unlikely to be causative of classical ataxia-telangiectasia; however, it may be associated with dystonia and may lead to increased risk of developing ATM-related cancer. Based on the supporting evidence, this alteration is interpreted as a disease-causing mutation.

Baylor Genetics
Classification: Pathogenic for Familial cancer of breast. Last evaluated: 2023-03-08. Review status: criteria provided, single submitter. Criteria: ACMG Guidelines, 2015. Collection method: clinical testing. Allele origin: unknown.

CHEO Genetics Diagnostic Laboratory, Children's Hospital of Eastern Ontario
Classification: Likely pathogenic for Breast and/or ovarian cancer. Last evaluated: 2023-01-19. Review status: criteria provided, single submitter. Criteria: ACMG Guidelines, 2015. Collection method: clinical testing. Allele origin: germline.

MGZ Medical Genetics Center
Classification: Pathogenic for Familial cancer of breast. Last evaluated: 2022-03-11. Review status: criteria provided, single submitter. Criteria: ACMG Guidelines, 2015. Collection method: clinical testing. Allele origin: germline. Affected: yes. Observed: 3 variant alleles.
Comment: ACMG criteria applied: PP1_STR, PS4_MOD, PM3, PS3_SUP, PM2_SUP

Institute for Clinical Genetics, University Hospital TU Dresden, University Hospital TU Dresden
Classification: Likely pathogenic. Last evaluated: 2021-11-03. Review status: criteria provided, single submitter. Criteria: ACMG Guidelines, 2015. Collection method: clinical testing. Allele origin: germline.

Institute of Medical Genetics and Applied Genomics, University Hospital Tübingen
Classification: Pathogenic. Last evaluated: 2020-10-23. Review status: criteria provided, single submitter. Criteria: ACMG Guidelines, 2015. Collection method: clinical testing. Allele origin: germline. Inheritance: Unknown mechanism. Affected: yes.

Revvity Omics, Revvity
Classification: Likely pathogenic for Ataxia-telangiectasia syndrome. Last evaluated: 2019-06-25. Review status: criteria provided, single submitter. Criteria: ACMG Guidelines, 2015. Collection method: clinical testing. Allele origin: germline.

Fulgent Genetics
Classification: Pathogenic for Familial cancer of breast; Ataxia-telangiectasia syndrome. Last evaluated: 2018-10-31. Review status: criteria provided, single submitter. Criteria: ACMG Guidelines, 2015. Collection method: clinical testing. Allele origin: unknown.

Counsyl
Classification: Pathogenic for Ataxia-telangiectasia syndrome. Last evaluated: 2017-06-23. Review status: no assertion criteria provided. Collection method: clinical testing. Allele origin: unknown. Not counted in ClinVar's aggregate classification.

OMIM
Classification: Pathogenic for ATAXIA-TELANGIECTASIA VARIANT. Last evaluated: 2012-02-28. Review status: no assertion criteria provided. Collection method: literature only. Allele origin: germline. Not counted in ClinVar's aggregate classification.

Department of Pathology and Laboratory Medicine, Sinai Health System
Classification: Likely pathogenic for Malignant tumor of breast. Review status: no assertion criteria provided. Collection method: clinical testing. Allele origin: unknown. Affected: yes. Study: The Canadian Open Genetics Repository (COGR). Not counted in ClinVar's aggregate classification.
Comment: The ATM p.Ala2067Asp variant was identified in 64 of 23034 proband chromosomes (frequency: 0.003) from individuals or families with atypical or â€šÃ„Ãºvariant-Ataxia Telangiectasiaâ€šÃ„Ã¹, breast and ovarian cancer and was not identified in 7976 control chromosomes from healthy individuals (Sandoval 1999, Saunders-Pullman 2012, Lu 2019). The variant was identified in dbSNP (rs397514577) as â€šÃ„Ãºwith pathogenic alleleâ€šÃ„Ã¹, ClinVar (interpreted as pathogenic by Invitae and 4 others, likely pathogenic by Color and 1 other) and LOVD 3.0 (observed 11x). The variant was identified in control databases in 1 of 246,124 chromosomes at a frequency of 0.000004 (Genome Aggregation Database Feb 27, 2017). The variant was observed in the following populations: European in 1 of 111,648 chromosomes (freq: 0.000009), but not in the African, Other, Latino, Ashkenazi Jewish, East Asian, Finnish, and South Asian populations. The homozygous variant was observed in 3 families with 12 affected people. Patients presented with a variant form of Ataxia Telangiectasia, a milder form of the disease, and 8 of the 12 homozygous carriers had a malignancy later in life including stomach, prostate, myeloid leukemia and lymphoma (Saunders-Pullman 2012, Nakamura 2014). Of the 10 carriers, six were homozygous and 4 were compound heterozygotes with ATM pathogenic variants (p.Arg1898*, p.Glu1978* and p.Val1268*) and segregated in trans (Nakamura 2014). Western blot of lymphoblastoid cell lines derived from these patients had decreased expression of ATM protein. Additionally, site directed mutagenesis experiments that introduced the homozygous variant had low levels of ATM protein in vitro. The presence of the variant also decreased kinase activity by ATM (Nakamura 2014). The p.Ala2067 residue is conserved in mammals but not in more distantly related organisms, and four out of five computational analyses (PolyPhen-2, SIFT, AlignGVGD, BLOSUM, MutationTaster) suggest that the variant may impact the protein; however, this information is not predictive enough to assume pathogenicity. The p.Ala2067Asp variant occurs in the first base of the exon. This position has been shown to be part of the splicing consensus sequence and variants involving this position sometimes affect splicing. However, in silico or computational prediction software programs (SpliceSiteFinder, MaxEntScan, NNSPLICE, GeneSplicer) do not predict a difference in splicing. In summary, based on the above information the clinical significance of this variant cannot be determined with certainty at this time although we would lean towards a more pathogenic role for this variant. This variant is classified as likely pathogenic.

GeneReviews
No classification provided. Condition: Ataxia-telangiectasia syndrome. Review status: no classification provided. Collection method: literature only. Allele origin: germline. Affected: yes. Not counted in ClinVar's aggregate classification.

Literature cited by the submitters: PubMed 9887333 (cited by 3 submitters); PubMed 22345219 (cited by 6 submitters); PubMed 25914063 (cited by Labcorp Genetics (formerly Invitae), Labcorp and Color Diagnostics, LLC DBA Color Health); PubMed 25077176 (cited by 6 submitters); PubMed 20305132 (cited by Color Diagnostics, LLC DBA Color Health); PubMed 25037873 (cited by Color Diagnostics, LLC DBA Color Health and Counsyl); PubMed 26898890 (cited by Color Diagnostics, LLC DBA Color Health); PubMed 19650357 (cited by Myriad Genetics, Inc.); PubMed 23143971 (cited by Ambry Genetics); PubMed 25040471 (cited by Ambry Genetics); PubMed 30504431 (cited by Ambry Genetics); PubMed 22529920 (cited by Counsyl); NCBI Bookshelf NBK26468 (cited by GeneReviews).